The following is an entry in ClinVar:

NM_002184.4(IL6ST):c.1666A>G (p.Ile556Val)

Gene: IL6ST (interleukin 6 cytokine family signal transducer; minus strand). Cytogenetic location: 5q11.2.
Variant type: single nucleotide variant.
Coding change: c.1666A>G on transcript NM_002184.4 (MANE Select); coding-DNA position 1666, A replaced by G.
Protein change: p.Ile556Val; replaces isoleucine 556 with valine.
Molecular consequence: missense variant. On other transcripts: 3 prime UTR variant (1), non-coding transcript variant (2).
Genome position (GRCh38, 1-based): chr5:55,951,962, T>C on the plus strand (A>G on the coding strand, the complement: IL6ST is on the minus strand). VCF-style: chr5-55951962-T-C. GRCh37 (hg19) VCF-style: chr5-55247790-T-C.
Other names: c.1483A>G, p.Ile495Val (NM_001190981.2); c.1564A>G, p.Ile522Val (NM_001364275.2); c.1456A>G, p.Ile486Val (NM_001364276.2); c.799A>G, p.Ile267Val (NM_001364277.2); c.763A>G, p.Ile255Val (NM_001364278.2); c.670A>G, p.Ile224Val (NM_001364279.2); c.*593A>G (NM_175767.3); short protein forms I224V, I486V, I255V, I267V, I522V, I556V, I495V.
Identifiers: ClinVar variation 4987277 (VCV004987277.1).

ClinVar aggregate classification (germline): Uncertain significance (1 of 4 stars; one submission).

Conditions:
IL6ST-related disorder. Also called: IL6ST-related condition.

gnomAD v4.1: 4 of 1,496,166 alleles (0.00027%); highest among the groups gnomAD compares: Admixed American, 0.0034%; no homozygotes.

Submission:

PreventionGenetics, part of Exact Sciences
Classification: Uncertain significance for IL6ST-related condition. Last evaluated: 2025-09-23. Review status: criteria provided, single submitter. Criteria: ACMG Guidelines, 2015. Collection method: clinical testing. Allele origin: germline.
Comment: The IL6ST c.1666A>G variant is predicted to result in the amino acid substitution p.Ile556Val. To our knowledge, this variant has not been reported in the literature. This variant is reported in 0.0030% of alleles in individuals of Latino descent in gnomAD. At this time, the clinical significance of this variant is uncertain due to the absence of conclusive functional and genetic evidence.